The following is an entry in ClinVar:

ClinVar aggregate classification (germline): Conflicting classifications of pathogenicity. Review status: criteria provided, conflicting classifications (1 of 4 stars). 2 submissions from 2 submitters: Likely pathogenic (1); Uncertain significance (1). Last evaluated 2026-08-04.

Conditions:
Developmental and epileptic encephalopathy 94 (DEE94). Also called: Epileptic encephalopathy, childhood-onset; CHD2-Related Neurodevelopmental Disorders. Identifiers: Orphanet 1942, Orphanet 2382, MedGen C3809278, MONDO:0014150, OMIM 615369.

Submissions (2):

GeneDx
Classification: Likely pathogenic. Last evaluated: 2026-08-04. Review status: criteria provided, single submitter. Criteria: GeneDx Variant Classification Process June 2021. Collection method: clinical testing. Allele origin: germline.
Comment: Not observed at significant frequency in large population cohorts (gnomAD); In silico analysis supports that this missense variant has a deleterious effect on protein structure/function; This variant is associated with the following publications: (PMID: 34713950)

Labcorp Genetics (formerly Invitae), Labcorp
Classification: Uncertain significance for Developmental and epileptic encephalopathy 94. Last evaluated: 2025-07-06. Review status: criteria provided, single submitter. Criteria: Invitae Variant Classification Sherloc (09022015). Collection method: clinical testing. Allele origin: germline.
Comment: This sequence change replaces glycine, which is neutral and non-polar, with arginine, which is basic and polar, at codon 1510 of the CHD2 protein (p.Gly1510Arg). This variant is not present in population databases (gnomAD no frequency). This missense change has been observed in individual(s) with CHD2-related conditions (PMID: 34713950; internal data). In at least one individual the variant was observed to be de novo. ClinVar contains an entry for this variant (Variation ID: 1878813). Invitae Evidence Modeling of protein sequence and biophysical properties (such as structural, functional, and spatial information, amino acid conservation, physicochemical variation, residue mobility, and thermodynamic stability) has been performed for this missense variant. However, the output from this modeling did not meet the statistical confidence thresholds required to predict the impact of this variant on CHD2 protein function. In summary, the available evidence is currently insufficient to determine the role of this variant in disease. Therefore, it has been classified as a Variant of Uncertain Significance.

Literature cited by the submitters: PubMed 34713950 (cited by Labcorp Genetics (formerly Invitae), Labcorp).

NM_001271.4(CHD2):c.4528G>A (p.Gly1510Arg)

Gene: CHD2 (chromodomain helicase DNA binding protein 2; plus strand). Cytogenetic location: 15q26.1.
Variant type: single nucleotide variant.
Coding change: c.4528G>A on transcript NM_001271.4 (MANE Select); coding-DNA position 4528, G replaced by A.
Protein change: p.Gly1510Arg; replaces glycine 1510 with arginine.
Molecular consequence: missense variant.
Genome position (GRCh38, 1-based): chr15:93,009,259, G>A. VCF-style: chr15-93009259-G-A. GRCh37 (hg19) VCF-style: chr15-93552489-G-A.
Other names: short protein forms G1510R.
Identifiers: ClinVar variation 1878813 (VCV001878813.3), dbSNP rs2505617552, ClinGen allele CA393904583.